The following is an entry in ClinVar:

ClinVar aggregate classification (germline): Uncertain significance. Review status: criteria provided, multiple submitters, no conflicts (2 of 4 stars). 3 submissions from 3 submitters: Uncertain significance (3). Last evaluated 2026-01-05.

Conditions:
Bloom syndrome (BLM). Also called: Bloom-Torre-Machacek syndrome. Identifiers: Orphanet 125, MedGen C0005859, MONDO:0008876, OMIM 210900.
Hereditary cancer-predisposing syndrome. Also called: Neoplastic Syndromes, Hereditary; Hereditary Cancer Syndrome; Tumor predisposition; Hereditary neoplastic syndrome. Identifiers: Orphanet 140162, MedGen C0027672, MeSH D009386, MONDO:0015356.

Submissions (3):

Labcorp Genetics (formerly Invitae), Labcorp
Classification: Uncertain significance for Bloom syndrome. Last evaluated: 2026-01-05. Review status: criteria provided, single submitter. Criteria: Invitae Variant Classification Sherloc (09022015). Collection method: clinical testing. Allele origin: germline.
Comment: This sequence change replaces serine, which is neutral and polar, with asparagine, which is neutral and polar, at codon 773 of the BLM protein (p.Ser773Asn). This variant is not present in population databases (gnomAD no frequency). This variant has not been reported in the literature in individuals affected with BLM-related conditions. ClinVar contains an entry for this variant (Variation ID: 998277). Invitae Evidence Modeling of protein sequence and biophysical properties (such as structural, functional, and spatial information, amino acid conservation, physicochemical variation, residue mobility, and thermodynamic stability) indicates that this missense variant is expected to disrupt BLM protein function with a positive predictive value of 80%. In summary, the available evidence is currently insufficient to determine the role of this variant in disease. Therefore, it has been classified as a Variant of Uncertain Significance.

Ambry Genetics
Classification: Uncertain significance for Hereditary cancer-predisposing syndrome. Last evaluated: 2022-03-27. Review status: criteria provided, single submitter. Criteria: Ambry Variant Classification Scheme 2023. Collection method: clinical testing. Allele origin: germline.
Comment: The p.S773N variant (also known as c.2318G>A), located in coding exon 10 of the BLM gene, results from a G to A substitution at nucleotide position 2318. The serine at codon 773 is replaced by asparagine, an amino acid with highly similar properties. This amino acid position is conserved. In addition, this alteration is predicted to be tolerated by in silico analysis. Since supporting evidence is limited at this time, the clinical significance of this alteration remains unclear.

Baylor Genetics
Classification: Uncertain significance for Bloom syndrome. Last evaluated: 2020-01-07. Review status: criteria provided, single submitter. Criteria: ACMG Guidelines, 2015. Collection method: clinical testing. Allele origin: unknown. Affected: yes. Study: CSER-TexasKidsCanSeq.
Comment: This variant was determined to be of uncertain significance according to ACMG Guidelines, 2015 [PMID:25741868].

NM_000057.4(BLM):c.2318G>A (p.Ser773Asn)

Gene: BLM (BLM RecQ like helicase; plus strand). Cytogenetic location: 15q26.1.
Variant type: single nucleotide variant.
Coding change: c.2318G>A on transcript NM_000057.4 (MANE Select); coding-DNA position 2318, G replaced by A.
Protein change: p.Ser773Asn; replaces serine 773 with asparagine.
Molecular consequence: missense variant.
Genome position (GRCh38, 1-based): chr15:90,769,143, G>A. VCF-style: chr15-90769143-G-A. GRCh37 (hg19) VCF-style: chr15-91312373-G-A.
Other names: c.2318G>A, p.Ser773Asn (NM_001287246.2, NM_001287247.2); c.1193G>A, p.Ser398Asn (NM_001287248.2); short protein forms S398N, S773N.
Identifiers: ClinVar variation 998277 (VCV000998277.5), dbSNP rs1896222659, ClinGen allele CA393845042.